The following is an entry in ClinVar:

ClinVar aggregate classification (germline): Pathogenic. Review status: criteria provided, single submitter (1 of 4 stars). 3 submissions from 3 submitters: Pathogenic (1). 2 of the submissions do not count toward it. Last evaluated 2026-01-30.

Conditions:
Intellectual disability-epilepsy-extrapyramidal syndrome (NEDHELS). Also called: Dyskinesia, seizures, and intellectual developmental disorder. Identifiers: Orphanet 468620, MedGen C4310683, MONDO:0014952, OMIM 617171.

Submissions (3):

GeneDx
Classification: Pathogenic. Last evaluated: 2026-01-30. Review status: criteria provided, single submitter. Criteria: GeneDx Variant Classification Process June 2021. Collection method: clinical testing. Allele origin: germline.
Comment: Non-canonical splice site variant demonstrated to result in loss of function (PMID: 26048982); Not observed at significant frequency in large population cohorts (gnomAD); This variant is associated with the following publications: (PMID: 28940898, 26048982, 36344539)

Department of Genetics, Sultan Qaboos University Hospital
Classification: Likely pathogenic for Intellectual disability-epilepsy-extrapyramidal syndrome. Last evaluated: 2024-05-12. Review status: no assertion criteria provided. Collection method: curation. Allele origin: unknown. Inheritance: Autosomal recessive inheritance. Affected: yes. Not counted in ClinVar's aggregate classification.

OMIM
Classification: Pathogenic for NEURODEVELOPMENTAL DISORDER WITH HYPOTONIA AND IMPAIRED EXPRESSIVE LANGUAGE AND WITH OR WITHOUT SEIZURES. Last evaluated: 2020-06-01. Review status: no assertion criteria provided. Collection method: literature only. Allele origin: germline. Not counted in ClinVar's aggregate classification.

Literature cited by the submitters: PubMed 26048982 (cited by OMIM).

NM_021008.4(DEAF1):c.997+4A>C

Gene: DEAF1 (DEAF1 transcription factor; minus strand). Cytogenetic location: 11p15.5.
Variant type: single nucleotide variant.
Coding change: c.997+4A>C on transcript NM_021008.4 (MANE Select); 4 bases into the intron after coding-DNA position 997, A replaced by C.
Molecular consequence: intron variant.
Genome position (GRCh38, 1-based): chr11:680,959, T>G on the plus strand (A>C on the coding strand, the complement: DEAF1 is on the minus strand). VCF-style: chr11-680959-T-G. GRCh37 (hg19) VCF-style: chr11-680959-T-G.
Other names: IVS6DS, A-C, +4; c.271+4A>C (NM_001367390.1, NM_001440885.1, NM_001440887.1 and 1 more transcripts); c.731-1143A>C (NM_001293634.2); c.997+4A>C (NM_001440884.1, NM_001440883.1).
Identifiers: ClinVar variation 267316 (VCV000267316.6), dbSNP rs886040972, ClinGen allele CA10590108.